The following is an entry in ClinVar:

NM_005188.4(CBL):c.346A>G (p.Arg116Gly)

Gene: CBL (Cbl proto-oncogene; plus strand). Cytogenetic location: 11q23.3.
Variant type: single nucleotide variant.
Coding change: c.346A>G on transcript NM_005188.4 (MANE Select); coding-DNA position 346, A replaced by G.
Protein change: p.Arg116Gly; replaces arginine 116 with glycine.
Molecular consequence: missense variant.
Genome position (GRCh38, 1-based): chr11:119,232,598, A>G. VCF-style: chr11-119232598-A-G. GRCh37 (hg19) VCF-style: chr11-119103308-A-G.
Other names: short protein forms R116G.
Identifiers: ClinVar variation 2631417 (VCV002631417.4), dbSNP rs2496866082, ClinGen allele CA382895180.

ClinVar aggregate classification (germline): Uncertain significance. Review status: criteria provided, multiple submitters, no conflicts (2 of 4 stars). 2 submissions from 2 submitters: Uncertain significance (2). Last evaluated 2026-01-28.

Conditions:
CBL-related disorder. Also called: NOONAN SYNDROME-LIKE DISORDER WITHOUT JUVENILE MYELOMONOCYTIC LEUKEMIA; CBL MUTATION-ASSOCIATED SYNDROME; CBL SYNDROME. Identifiers: Orphanet 363972, MedGen C3150803, MONDO:0013308, OMIM 613563.
RASopathy. Also called: Noonan spectrum disorder; rasopathies. Identifiers: Orphanet 536391, MedGen C5555857, MONDO:0021060.

Submissions (2):

Labcorp Genetics (formerly Invitae), Labcorp
Classification: Uncertain significance for RASopathy. Last evaluated: 2026-01-28. Review status: criteria provided, single submitter. Criteria: Invitae Variant Classification Sherloc (09022015). Collection method: clinical testing. Allele origin: germline.
Comment: This sequence change replaces arginine, which is basic and polar, with glycine, which is neutral and non-polar, at codon 116 of the CBL protein (p.Arg116Gly). This variant is not present in population databases (gnomAD no frequency). This variant has not been reported in the literature in individuals affected with CBL-related conditions. ClinVar contains an entry for this variant (Variation ID: 2631417). Invitae Evidence Modeling of protein sequence and biophysical properties (such as structural, functional, and spatial information, amino acid conservation, physicochemical variation, residue mobility, and thermodynamic stability) has been performed for this missense variant. However, the output from this modeling did not meet the statistical confidence thresholds required to predict the impact of this variant on CBL protein function. In summary, the available evidence is currently insufficient to determine the role of this variant in disease. Therefore, it has been classified as a Variant of Uncertain Significance.

PreventionGenetics, part of Exact Sciences
Classification: Uncertain significance for CBL-related condition. Last evaluated: 2023-07-09. Review status: criteria provided, single submitter. Criteria: ACMG Guidelines, 2015. Collection method: clinical testing. Allele origin: germline.
Comment: The CBL c.346A>G variant is predicted to result in the amino acid substitution p.Arg116Gly. To our knowledge, this variant has not been reported in the literature or in a large population database, indicating this variant is rare. At this time, the clinical significance of this variant is uncertain due to the absence of conclusive functional and genetic evidence.